The following is an entry in ClinVar:

ClinVar aggregate classification (germline): Conflicting classifications of pathogenicity. Review status: criteria provided, conflicting classifications (1 of 4 stars). 5 submissions from 5 submitters: Uncertain significance (2); Likely benign (3). Last evaluated 2026-01-11.

Conditions:
ELANE-related disorder. Also called: ELANE-related condition.
Autoinflammatory syndrome. Identifiers: Orphanet 93665, MedGen C3890737, MONDO:0019751.
Neutropenia, severe congenital, 1, autosomal dominant. Identifiers: MedGen C1859966, MONDO:0042490, OMIM 202700.
Cyclical neutropenia. Also called: Cyclic hematopoiesis; Cyclic Neutropenia. Identifiers: Orphanet 2686, MedGen C0221023, MONDO:0008090, OMIM 162800, HP:0040289. Disease mechanism: loss of function.

Allele frequency attached by ClinVar (database versions not stated): gnomAD 0.00013 and 0.00014; TOPMed 0.00013; ESP Exome Variant Server 0.00015; gnomAD exomes 0.00017 and 0.00033.
gnomAD v4.1: 491 of 1,603,798 alleles (0.031%); highest among the groups gnomAD compares: Non-Finnish European, 0.037%; no homozygotes.

Submissions (5):

Labcorp Genetics (formerly Invitae), Labcorp
Classification: Likely benign for Neutropenia, severe congenital, 1, autosomal dominant; Cyclical neutropenia. Last evaluated: 2026-01-11. Review status: criteria provided, single submitter. Criteria: Invitae Variant Classification Sherloc (09022015). Collection method: clinical testing. Allele origin: germline.

PreventionGenetics, part of Exact Sciences
Classification: Uncertain significance for ELANE-related condition. Last evaluated: 2024-12-14. Review status: criteria provided, single submitter. Criteria: ACMG Guidelines, 2015. Collection method: clinical testing. Allele origin: germline.
Comment: The ELANE c.428G>A variant is predicted to result in the amino acid substitution p.Arg143His. This variant has been reported in an individual with cyclic neutropenia (CyN) (Supplemental Table S1, No. 96, Germeshausen et al. 2013. PubMed ID: 23463630). This variant is reported in 0.036% of alleles in individuals of East Asian descent in gnomAD, which may be too common to be causative. Although we suspect that this variant may be benign, at this time, the clinical significance of this variant is uncertain due to the absence of conclusive functional and genetic evidence.

Genome Diagnostics Laboratory, The Hospital for Sick Children
Classification: Likely benign for Autoinflammatory syndrome. Last evaluated: 2021-07-13. Review status: criteria provided, single submitter. Criteria: ACMG Guidelines, 2015. Collection method: clinical testing. Allele origin: germline. Affected: yes.

Genetic Services Laboratory, University of Chicago
Classification: Uncertain significance. Last evaluated: 2020-01-13. Review status: criteria provided, single submitter. Criteria: ACMG Guidelines, 2015. Collection method: clinical testing. Allele origin: germline. Affected: no.
Comment: DNA sequence analysis of the ELANE gene demonstrated a sequence change, c.428G>A, in exon 4 that results in an amino acid change, p.Arg143His. This sequence change has been identified in a patient from cohort of patients with a diagnosis of either congenital neutropenia (CN) or cyclic neutropenia (CyN) or myelodysplastic syndrome (MDS) or leukemiadoes (PMID: 23463630) and no patient specific information was provided. It has been described in the gnomAD database with a low population frequency of 0.017% (dbSNP rs200993994). The p.Arg143His change affects a poorly conserved amino acid residue located in a domain of the ELANE protein that is known to be functional. In-silico pathogenicity prediction tools (SIFT, PolyPhen2, Align GVGD, REVEL) provide contradictory results for the p.Arg143His substitution. Due to these contrasting evidences and the lack of functional studies, the clinical significance of the p.Arg143His change remains unknown at this time.

GeneDx
Classification: Likely benign. Last evaluated: 2019-03-28. Review status: criteria provided, single submitter. Criteria: GeneDx Variant Classification Process June 2021. Collection method: clinical testing. Allele origin: germline. Affected: yes.
Comment: This variant is associated with the following publications: (PMID: 23463630)

NM_001972.4(ELANE):c.428G>A (p.Arg143His)

Gene: ELANE (elastase, neutrophil expressed; plus strand). Cytogenetic location: 19p13.3.
Variant type: single nucleotide variant.
Coding change: c.428G>A on transcript NM_001972.4 (MANE Select); coding-DNA position 428, G replaced by A.
Protein change: p.Arg143His; replaces arginine 143 with histidine.
Molecular consequence: missense variant.
Genome position (GRCh38, 1-based): chr19:855,625, G>A. VCF-style: chr19-855625-G-A. GRCh37 (hg19) VCF-style: chr19-855625-G-A.
Other names: c.428G>A (LRG_57t1); short protein forms R143H.
Identifiers: ClinVar variation 515631 (VCV000515631.21), dbSNP rs200993994, ClinGen allele CA9026056.